The following is an entry in ClinVar:

ClinVar aggregate classification (germline): Uncertain significance. Review status: criteria provided, multiple submitters, no conflicts (2 of 4 stars). 6 submissions from 6 submitters: Uncertain significance (6). Last evaluated 2025-07-13.

Conditions:
Visceral myopathy 2. Identifiers: MedGen C5543466, MONDO:0859157, OMIM 619350.
Megacystis-microcolon-intestinal hypoperistalsis syndrome 2. Identifiers: MedGen C5543476, MONDO:0025708, OMIM 619351.
Aortic aneurysm, familial thoracic 4 (AAT4). Also called: AORTIC ANEURYSM/AORTIC DISSECTION AND PATENT DUCTUS ARTERIOSUS. Identifiers: MedGen C1851504, MONDO:0007568, OMIM 132900.
Familial thoracic aortic aneurysm and aortic dissection (TAAD). Also called: Thoracic aortic aneurysms and dissections. Identifiers: Orphanet 91387, MedGen C4707243, MONDO:0019625.

Allele frequency attached by ClinVar (database versions not stated): gnomAD 0.00001 and 0.00002; gnomAD exomes 0.00003 and 0.00004; TOPMed 0.00003; ExAC 0.00004; ESP Exome Variant Server 0.00008.
gnomAD v4.1: 44 of 1,613,948 alleles (0.0027%); highest among the groups gnomAD compares: South Asian, 0.014%; no homozygotes.

Submissions (6):

Labcorp Genetics (formerly Invitae), Labcorp
Classification: Uncertain significance for Aortic aneurysm, familial thoracic 4. Last evaluated: 2025-07-13. Review status: criteria provided, single submitter. Criteria: Invitae Variant Classification Sherloc (09022015). Collection method: clinical testing. Allele origin: germline.
Comment: This sequence change replaces arginine, which is basic and polar, with glutamine, which is neutral and polar, at codon 707 of the MYH11 protein (p.Arg707Gln). This variant is present in population databases (rs376758800, gnomAD 0.01%). This variant has not been reported in the literature in individuals affected with MYH11-related conditions. ClinVar contains an entry for this variant (Variation ID: 451726). Invitae Evidence Modeling of protein sequence and biophysical properties (such as structural, functional, and spatial information, amino acid conservation, physicochemical variation, residue mobility, and thermodynamic stability) indicates that this missense variant is not expected to disrupt MYH11 protein function with a negative predictive value of 95%. In summary, the available evidence is currently insufficient to determine the role of this variant in disease. Therefore, it has been classified as a Variant of Uncertain Significance.

Ambry Genetics
Classification: Uncertain significance for Familial thoracic aortic aneurysm and aortic dissection. Last evaluated: 2025-04-13. Review status: criteria provided, single submitter. Criteria: Ambry Variant Classification Scheme 2023. Collection method: clinical testing. Allele origin: germline.
Comment: The p.R700Q variant (also known as c.2099G>A), located in coding exon 16 of the MYH11 gene, results from a G to A substitution at nucleotide position 2099. The arginine at codon 700 is replaced by glutamine, an amino acid with highly similar properties. This amino acid position is highly conserved in available vertebrate species. In addition, this alteration is predicted to be deleterious by in silico analysis. Since supporting evidence is limited at this time, the clinical significance of this alteration remains unclear.

GeneDx
Classification: Uncertain significance. Last evaluated: 2024-08-14. Review status: criteria provided, single submitter. Criteria: GeneDx Variant Classification Process June 2021. Collection method: clinical testing. Allele origin: germline. Affected: yes.
Comment: Has not been previously published as pathogenic or benign to our knowledge; In silico analysis supports that this missense variant has a deleterious effect on protein structure/function

Color Diagnostics, LLC DBA Color Health
Classification: Uncertain significance for Familial thoracic aortic aneurysm and aortic dissection. Last evaluated: 2023-11-22. Review status: criteria provided, single submitter. Criteria: ACMG Guidelines, 2015. Collection method: clinical testing. Allele origin: germline.
Comment: This missense variant replaces arginine with glutamine at codon 707 of the MYH11 protein. Computational prediction tool indicates that this variant may have a deleterious impact on protein structure and function. To our knowledge, functional studies have not been reported for this variant. This variant has not been reported in individuals affected with cardiovascular disorders in the literature. This variant has been identified in 9/251140 chromosomes in the general population by the Genome Aggregation Database (gnomAD). The available evidence is insufficient to determine the role of this variant in disease conclusively. Therefore, this variant is classified as a Variant of Uncertain Significance.

Blueprint Genetics
Classification: Uncertain significance. Last evaluated: 2022-12-27. Review status: criteria provided, single submitter. Criteria: ACMG Guidelines, 2015. Collection method: clinical testing. Allele origin: germline.

Fulgent Genetics
Classification: Uncertain significance for Aortic aneurysm, familial thoracic 4; Visceral myopathy 2; Megacystis-microcolon-intestinal hypoperistalsis syndrome 2. Last evaluated: 2021-07-28. Review status: criteria provided, single submitter. Criteria: ACMG Guidelines, 2015. Collection method: clinical testing. Allele origin: unknown.

NM_002474.3(MYH11):c.2099G>A (p.Arg700Gln)

Gene: MYH11 (myosin heavy chain 11; minus strand). Cytogenetic location: 16p13.11.
Variant type: single nucleotide variant.
Coding change: c.2099G>A on transcript NM_002474.3 (MANE Select); coding-DNA position 2099, G replaced by A.
Protein change: p.Arg700Gln; replaces arginine 700 with glutamine.
Molecular consequence: missense variant.
Genome position (GRCh38, 1-based): chr16:15,748,128, C>T on the plus strand (G>A on the coding strand, the complement: MYH11 is on the minus strand). VCF-style: chr16-15748128-C-T. GRCh37 (hg19) VCF-style: chr16-15841985-C-T.
Other names: c.2120G>A, p.Arg707Gln (NM_001040113.2, NM_001040114.2); c.2099G>A, p.Arg700Gln (NM_022844.3); short protein forms R700Q, R707Q.
Identifiers: ClinVar variation 451726 (VCV000451726.23), dbSNP rs376758800, ClinGen allele CA7922390.